The following is an entry in ClinVar:

ClinVar aggregate classification (germline): Uncertain significance (1 of 4 stars; one submission).

Allele frequency attached by ClinVar (database versions not stated): TOPMed below 0.00001; gnomAD exomes 0.00001; ExAC 0.00002.
gnomAD v4.1: 7 of 1,604,550 alleles (0.00044%); highest among the groups gnomAD compares: Non-Finnish European, 0.0006%; no homozygotes.

Submission:

Labcorp Genetics (formerly Invitae), Labcorp
Classification: Uncertain significance. Last evaluated: 2022-08-09. Review status: criteria provided, single submitter. Criteria: Invitae Variant Classification Sherloc (09022015). Collection method: clinical testing. Allele origin: germline.
Comment: This sequence change falls in intron 7 of the GFAP gene. It does not directly change the encoded amino acid sequence of the GFAP protein. It affects a nucleotide within the consensus splice site. In summary, the available evidence is currently insufficient to determine the role of this variant in disease. Therefore, it has been classified as a Variant of Uncertain Significance. Variants that disrupt the consensus splice site are a relatively common cause of aberrant splicing (PMID: 17576681, 9536098). Algorithms developed to predict the effect of sequence changes on RNA splicing suggest that this variant is not likely to affect RNA splicing. This variant has not been reported in the literature in individuals affected with GFAP-related conditions. This variant is present in population databases (rs746173968, gnomAD 0.003%).

Literature cited by the submitters: PubMed 17576681; PubMed 9536098.

NM_002055.5(GFAP):c.1172-3C>T

Gene: GFAP (glial fibrillary acidic protein; minus strand). Cytogenetic location: 17q21.31.
Variant type: single nucleotide variant.
Coding change: c.1172-3C>T on transcript NM_002055.5 (MANE Select); 3 bases into the intron before coding-DNA position 1172, C replaced by T.
Molecular consequence: intron variant.
Genome position (GRCh38, 1-based): chr17:44,908,152, G>A on the plus strand (C>T on the coding strand, the complement: GFAP is on the minus strand). VCF-style: chr17-44908152-G-A. GRCh37 (hg19) VCF-style: chr17-42985520-G-A.
Other names: c.1292-3C>T (NM_001363846.2).
Identifiers: ClinVar variation 1920670 (VCV001920670.5), dbSNP rs746173968, ClinGen allele CA8608632.